The following is an entry in ClinVar:

NM_001164508.2(NEB):c.18519C>T (p.Thr6173=)

Gene: NEB (nebulin; minus strand). Cytogenetic location: 2q23.3.
Variant type: single nucleotide variant.
Coding change: c.18519C>T on transcript NM_001164508.2 (MANE Select); coding-DNA position 18519, C replaced by T.
Protein change: p.Thr6173=; no amino-acid change (threonine 6173 retained).
Molecular consequence: synonymous variant.
Genome position (GRCh38, 1-based): chr2:151,563,883, G>A on the plus strand (C>T on the coding strand, the complement: NEB is on the minus strand). VCF-style: chr2-151563883-G-A. GRCh37 (hg19) VCF-style: chr2-152420397-G-A.
Other names: c.18519C>T, p.Thr6173= (NM_001164507.2, NM_001271208.2); c.13416C>T, p.Thr4472= (NM_004543.5).
Identifiers: ClinVar variation 775483 (VCV000775483.27), dbSNP rs745448583, ClinGen allele CA57657767.

ClinVar aggregate classification (germline): Likely benign. Review status: criteria provided, multiple submitters, no conflicts (2 of 4 stars). 2 submissions from 2 submitters: Likely benign (2). Last evaluated 2026-01-11.

Conditions:
Nemaline myopathy 2 (NEM2). Also called: Nemaline myopathy 2, autosomal recessive. Identifiers: MedGen C1850569, MONDO:0009725, OMIM 256030.

Allele frequency attached by ClinVar (database versions not stated): gnomAD exomes below 0.00001 and 0.00003; gnomAD 0.00002; TOPMed 0.00005.
gnomAD v4.1: 52 of 1,612,518 alleles (0.0032%); highest among the groups gnomAD compares: Non-Finnish European, 0.0042%; no homozygotes.

Submissions (2):

Labcorp Genetics (formerly Invitae), Labcorp
Classification: Likely benign for Nemaline myopathy 2. Last evaluated: 2026-01-11. Review status: criteria provided, single submitter. Criteria: Invitae Variant Classification Sherloc (09022015). Collection method: clinical testing. Allele origin: germline.

CeGaT Center for Human Genetics Tuebingen
Classification: Likely benign. Last evaluated: 2024-07-01. Review status: criteria provided, single submitter. Criteria: CeGaT Center For Human Genetics Tuebingen Variant Classification Criteria Version 2. Collection method: clinical testing. Allele origin: germline. Affected: yes. Observed: 1 variant allele.
Comment: NEB: BP4, BP7